The following is an entry in ClinVar:

ClinVar aggregate classification (germline): Likely benign. Review status: criteria provided, multiple submitters, no conflicts (2 of 4 stars). 3 submissions from 3 submitters: Likely benign (2). 1 of the submissions does not count toward it. Last evaluated 2024-10-25.

Conditions:
FOXRED1-related disorder. Also called: FOXRED1-related condition.

Allele frequency attached by ClinVar (database versions not stated): gnomAD exomes 0.00001; ExAC 0.00003; ESP Exome Variant Server 0.00008.
gnomAD v4.1: 28 of 1,613,068 alleles (0.0017%); highest among the groups gnomAD compares: Non-Finnish European, 0.0016%; no homozygotes.

Submissions (3):

Blueprint Genetics
Classification: Likely benign. Last evaluated: 2024-10-25. Review status: criteria provided, single submitter. Criteria: ACMG Guidelines, 2015. Collection method: clinical testing. Allele origin: germline.

Labcorp Genetics (formerly Invitae), Labcorp
Classification: Likely benign. Last evaluated: 2024-03-14. Review status: criteria provided, single submitter. Criteria: Invitae Variant Classification Sherloc (09022015). Collection method: clinical testing. Allele origin: germline.

PreventionGenetics, part of Exact Sciences
Classification: Likely benign for FOXRED1-related condition. Last evaluated: 2020-03-31. Review status: no assertion criteria provided. Collection method: clinical testing. Allele origin: germline. Not counted in ClinVar's aggregate classification.
Comment: This variant is classified as likely benign based on ACMG/AMP sequence variant interpretation guidelines (Richards et al. 2015 PMID: 25741868, with internal and published modifications).

NM_017547.4(FOXRED1):c.1212G>A (p.Gln404=)

Gene: FOXRED1 (FAD dependent oxidoreductase domain containing 1; plus strand). Cytogenetic location: 11q24.2.
Variant type: single nucleotide variant.
Coding change: c.1212G>A on transcript NM_017547.4 (MANE Select); coding-DNA position 1212, G replaced by A.
Protein change: p.Gln404=; no amino-acid change (glutamine 404 retained).
Molecular consequence: synonymous variant. On other transcripts: non-coding transcript variant (2).
Genome position (GRCh38, 1-based): chr11:126,277,440, G>A. VCF-style: chr11-126277440-G-A. GRCh37 (hg19) VCF-style: chr11-126147335-G-A.
Identifiers: ClinVar variation 799734 (VCV000799734.10), dbSNP rs374680615, ClinGen allele CA6354416.